The following is an entry in ClinVar:

NM_006019.4(TCIRG1):c.775C>T (p.Gln259Ter)

Gene: TCIRG1 (T cell immune regulator 1, ATPase H+ transporting V0 subunit a3; plus strand). Cytogenetic location: 11q13.2.
Variant type: single nucleotide variant.
Coding change: c.775C>T on transcript NM_006019.4 (MANE Select); coding-DNA position 775, C replaced by T.
Protein change: p.Gln259Ter; replaces glutamine 259 with a stop codon.
Molecular consequence: nonsense. On other transcripts: 5 prime UTR variant (1), intron variant (1).
Genome position (GRCh38, 1-based): chr11:68,043,875, C>T. VCF-style: chr11-68043875-C-T. GRCh37 (hg19) VCF-style: chr11-67811342-C-T.
Other names: c.-120C>T (NM_001351059.2); c.775C>T, p.Gln259Ter (NM_001440552.1, NM_001440553.1, NM_001440554.1 and 4 more transcripts); c.733C>T, p.Gln245Ter (NM_001440555.1, NM_001440556.1, NM_001440563.1); c.562C>T, p.Gln188Ter (NM_001440561.1, NM_001440562.1, NM_001440566.1 and 1 more transcripts); c.520C>T, p.Gln174Ter (NM_001440564.1, NM_001440568.1); c.475C>T, p.Gln159Ter (NM_001440565.1); c.127C>T, p.Gln43Ter (NM_006053.4); c.503+844C>T (NM_001440569.1); short protein forms Q159*, Q174*, Q188*, Q245*, Q259*, Q43*.
Identifiers: ClinVar variation 4815488 (VCV004815488.1).

ClinVar aggregate classification (germline): Likely pathogenic (1 of 4 stars; one submission).

Conditions:
Autosomal recessive osteopetrosis 1. Also called: ALBERS-SCHONBERG DISEASE, AUTOSOMAL RECESSIVE; TCIRG1-Related Autosomal Recessive Osteopetrosis; TCIRG1-Related Osteopetrosis. Identifiers: Orphanet 667, MedGen C1850127, MONDO:0009815, OMIM 259700.

Submission:

Natera, Inc.
Classification: Likely pathogenic for Infantile malignant osteopetrosis. Last evaluated: 2026-01-15. Review status: criteria provided, single submitter. Criteria: Natera Variant Classification Schema (03/2026). Collection method: clinical testing. Allele origin: germline.
Comment: The c.775C>T variant in TCIRG1 is a nonsense variant predicted to introduce a stop codon at amino acid 259. This variant is expected to result in nonsense mediated decay, truncation, or a dysfunctional protein product. This variant is rare in the general population with a frequency below the threshold expected for the associated phenotype(s). Given the available evidence, this variant is classified as Likely Pathogenic.